The following is an entry in ClinVar:

ClinVar aggregate classification (germline): Conflicting classifications of pathogenicity. Review status: criteria provided, conflicting classifications (1 of 4 stars). 2 submissions from 2 submitters: Uncertain significance (1); Likely benign (1). Last evaluated 2025-08-29.

Conditions:
Inborn genetic diseases. Identifiers: MedGen C0950123, MeSH D030342.

Submissions (2):

Mayo Clinic Laboratories, Mayo Clinic
Classification: Likely benign. Last evaluated: 2025-08-29. Review status: criteria provided, single submitter. Criteria: ACMG Guidelines, 2015. Collection method: clinical testing. Allele origin: germline. Observed: 1 variant allele.
Comment: BP4, BP7

Ambry Genetics
Classification: Uncertain significance for Inborn genetic diseases. Last evaluated: 2020-03-20. Review status: criteria provided, single submitter. Criteria: Ambry Variant Classification Scheme 2023. Collection method: clinical testing. Allele origin: germline.
Comment: The c.690+6_690+58del53insTATG intronic variant is located 6 nucleotides after coding exon 7 in the SPTLC1 gene. This variant results from the deletion of 53 nucleotides from positions c.690+6 to c.690+58 and insertion of 4 nucleotides (TATG) in their place. The deleted nucleotide positions are not well conserved in available vertebrate species. This variant is located near the native donor splice site of coding exon 7. Using the BDGP and ESEfinder splice site prediction tools, this variant does not have any significant effect on this donor splice site; however, direct evidence is unavailable. Since supporting evidence is limited at this time, the clinical significance of this alteration remains unclear.

NM_006415.4(SPTLC1):c.690+6_690+58delinsTATG

Gene: SPTLC1 (serine palmitoyltransferase long chain base subunit 1; minus strand). Cytogenetic location: 9q22.31.
Variant type: Indel.
Coding change: c.690+6_690+58delinsTATG on transcript NM_006415.4 (MANE Select); bases 6 to 58 of the intron after coding-DNA position 690, the reference bases replaced by TATG.
Molecular consequence: intron variant.
Genome position (GRCh38, 1-based): chr9:92,059,121-92,059,173, 53 bases replaced. GRCh37 (hg19): chr9:94,821,403-94,821,455.
Other names: p.?; c.690+6_690+58delinsTATG (NM_001281303.2); c.324+6_324+58delinsTATG (NM_001368272.1); c.225+6_225+58delinsTATG (NM_001368273.1).
Identifiers: ClinVar variation 1756073 (VCV001756073.3), dbSNP rs2538427518, ClinGen allele CA2580080653.